The following is an entry in ClinVar:

ClinVar aggregate classification (germline): Conflicting classifications of pathogenicity. Review status: criteria provided, conflicting classifications (1 of 4 stars). 8 submissions from 8 submitters: Uncertain significance (1); Likely benign (7). Last evaluated 2026-01-14.

Conditions:
Inborn genetic diseases. Identifiers: MedGen C0950123, MeSH D030342.
Hereditary spastic paraplegia 11. Also called: Spastic paraplegia, mental retardation and thin corpus callosum; Spastic Paraplegia 11; Nakamura Osame syndrome; Autosomal recessive hereditary spastic paraplegia, mental impairment, and thin corpus callosum; SPASTIC PARAPLEGIA, AUTOSOMAL RECESSIVE, COMPLICATED, WITH THIN CORPUS CALLOSUM; SPASTIC PARAPLEGIA, AUTOSOMAL RECESSIVE, WITH MENTAL IMPAIRMENT AND THIN CORPUS CALLOSUM. Identifiers: Orphanet 2822, MedGen C1858479, MONDO:0011445, OMIM 604360.
SPG11-related disorder. Also called: SPG11-related condition.

Allele frequency attached by ClinVar (database versions not stated): gnomAD exomes 0.00007 and 0.00024; 1000 Genomes Project 0.00020; ExAC 0.00035; TOPMed 0.00093; gnomAD 0.00076 and 0.00086.
gnomAD v4.1: 217 of 1,612,688 alleles (0.013%); highest among the groups gnomAD compares: African/African-American, 0.25%; no homozygotes.

Submissions (8):

Labcorp Genetics (formerly Invitae), Labcorp
Classification: Likely benign for Hereditary spastic paraplegia 11. Last evaluated: 2026-01-14. Review status: criteria provided, single submitter. Criteria: Invitae Variant Classification Sherloc (09022015). Collection method: clinical testing. Allele origin: germline.

PreventionGenetics, part of Exact Sciences
Classification: Likely benign for SPG11-related condition. Last evaluated: 2025-06-10. Review status: criteria provided, single submitter. Criteria: ACMG Guidelines, 2015. Collection method: clinical testing. Allele origin: germline.
Comment: This variant is classified as likely benign based on ACMG/AMP sequence variant interpretation guidelines (Richards et al. 2015 PMID: 25741868, with internal and published modifications).

Mayo Clinic Laboratories, Mayo Clinic
Classification: Likely benign. Last evaluated: 2025-03-04. Review status: criteria provided, single submitter. Criteria: ACMG Guidelines, 2015. Collection method: clinical testing. Allele origin: germline. Observed: 1 variant allele.
Comment: BS1, BP4_moderate

Women's Health and Genetics/Laboratory Corporation of America, LabCorp
Classification: Likely benign. Last evaluated: 2024-11-27. Review status: criteria provided, single submitter. Criteria: LabCorp Variant Classification Summary - May 2015. Collection method: clinical testing. Allele origin: germline.
Comment: Variant summary: SPG11 c.7161A>T (p.Gln2387His) results in a non-conservative amino acid change in the encoded protein sequence. Four of five in-silico tools predict a benign effect of the variant on protein function. The variant allele was found at a frequency of 0.00024 in 251346 control chromosomes, predominantly at a frequency of 0.003 within the African or African-American subpopulation in the gnomAD database. The observed variant frequency within African or African-American control individuals in the gnomAD database is approximately 2.68 fold of the estimated maximal expected allele frequency for a pathogenic variant in SPG11 causing Hereditary Spastic Paraplegia, Type 11 phenotype (0.0011). To our knowledge, no occurrence of c.7161A>T in individuals affected with Hereditary Spastic Paraplegia, Type 11 and no experimental evidence demonstrating its impact on protein function have been reported. ClinVar contains an entry for this variant (Variation ID: 448469). Based on the evidence outlined above, the variant was classified as likely benign.

CeGaT Center for Human Genetics Tuebingen
Classification: Likely benign. Last evaluated: 2023-11-01. Review status: criteria provided, single submitter. Criteria: CeGaT Center For Human Genetics Tuebingen Variant Classification Criteria Version 2. Collection method: clinical testing. Allele origin: germline. Affected: yes. Observed: 1 variant allele.
Comment: SPG11: BP4

Ambry Genetics
Classification: Likely benign for Inborn genetic diseases. Last evaluated: 2020-10-29. Review status: criteria provided, single submitter. Criteria: Ambry Variant Classification Scheme 2023. Collection method: clinical testing. Allele origin: germline.

GeneDx
Classification: Likely benign. Last evaluated: 2020-07-07. Review status: criteria provided, single submitter. Criteria: GeneDx Variant Classification Process June 2021. Collection method: clinical testing. Allele origin: germline. Affected: yes.
Comment: Has not been previously published as pathogenic or benign to our knowledge; In silico analysis, which includes protein predictors and evolutionary conservation, supports that this variant does not alter protein structure/function

Athena Diagnostics
Classification: Uncertain significance. Last evaluated: 2016-07-26. Review status: criteria provided, single submitter. Criteria: Athena Diagnostics Criteria. Collection method: clinical testing. Allele origin: germline.

NM_025137.4(SPG11):c.7161A>T (p.Gln2387His)

Gene: SPG11 (SPG11 vesicle trafficking associated, spatacsin; minus strand). Cytogenetic location: 15q21.1.
Variant type: single nucleotide variant.
Coding change: c.7161A>T on transcript NM_025137.4 (MANE Select); coding-DNA position 7161, A replaced by T.
Protein change: p.Gln2387His; replaces glutamine 2387 with histidine.
Molecular consequence: missense variant.
Genome position (GRCh38, 1-based): chr15:44,563,292, T>A on the plus strand (A>T on the coding strand, the complement: SPG11 is on the minus strand). VCF-style: chr15-44563292-T-A. GRCh37 (hg19) VCF-style: chr15-44855490-T-A.
Other names: c.6822A>T, p.Gln2274His (NM_001160227.2); short protein forms Q2387H, Q2274H.
Identifiers: ClinVar variation 448469 (VCV000448469.41), dbSNP rs201918221, ClinGen allele CA7533860.
Genomic context (GRCh38, chr15:44,563,292, plus strand): 5'-ATCTTCACAATATGTGAGTAATTTCTTCAGGTTTTCCATGACCATGTCAGTAGGCTGATG[T>A]TGTTTATATCTAGATAAAGAAACATAATGTACAGGTTAAGATACTGTTTTTTGTTTTGTT-3'
Protein context (NP_079413.3, residues 2377-2397): IFEEISKKYK[Gln2387His]HQPTDMVMEN